The following is an entry in ClinVar:

ClinVar aggregate classification (germline): Uncertain significance (1 of 4 stars; one submission).

gnomAD v4.1: 1 of 1,614,090 alleles (0.000062%); highest among the groups gnomAD compares: Non-Finnish European, 0.000085%; no homozygotes.

Submission:

Labcorp Genetics (formerly Invitae), Labcorp
Classification: Uncertain significance. Last evaluated: 2024-10-03. Review status: criteria provided, single submitter. Criteria: Invitae Variant Classification Sherloc (09022015). Collection method: clinical testing. Allele origin: germline.
Comment: This sequence change replaces glycine, which is neutral and non-polar, with serine, which is neutral and polar, at codon 108 of the COL9A2 protein (p.Gly108Ser). This variant is not present in population databases (gnomAD no frequency). This variant has not been reported in the literature in individuals affected with COL9A2-related conditions. Invitae Evidence Modeling of protein sequence and biophysical properties (such as structural, functional, and spatial information, amino acid conservation, physicochemical variation, residue mobility, and thermodynamic stability) indicates that this missense variant is expected to disrupt COL9A2 protein function with a positive predictive value of 95%. In summary, the available evidence is currently insufficient to determine the role of this variant in disease. Therefore, it has been classified as a Variant of Uncertain Significance.

NM_001852.4(COL9A2):c.322G>A (p.Gly108Ser)

Gene: COL9A2 (collagen type IX alpha 2 chain; minus strand). Cytogenetic location: 1p34.2.
Variant type: single nucleotide variant.
Coding change: c.322G>A on transcript NM_001852.4 (MANE Select); coding-DNA position 322, G replaced by A.
Protein change: p.Gly108Ser; replaces glycine 108 with serine.
Molecular consequence: missense variant.
Genome position (GRCh38, 1-based): chr1:40,312,591, C>T on the plus strand (G>A on the coding strand, the complement: COL9A2 is on the minus strand). VCF-style: chr1-40312591-C-T. GRCh37 (hg19) VCF-style: chr1-40778263-C-T.
Other names: short protein forms G108S.
Identifiers: ClinVar variation 3668685 (VCV003668685.2).